The following is an entry in ClinVar:

NM_000104.4(CYP1B1):c.218C>A (p.Ser73Ter)

Gene: CYP1B1 (cytochrome P450 family 1 subfamily B member 1; minus strand). Cytogenetic location: 2p22.2.
Variant type: single nucleotide variant.
Coding change: c.218C>A on transcript NM_000104.4 (MANE Select); coding-DNA position 218, C replaced by A.
Protein change: p.Ser73Ter; replaces serine 73 with a stop codon.
Molecular consequence: nonsense.
Genome position (GRCh38, 1-based): chr2:38,075,171, G>T on the plus strand (C>A on the coding strand, the complement: CYP1B1 is on the minus strand). VCF-style: chr2-38075171-G-T. GRCh37 (hg19) VCF-style: chr2-38302314-G-T.
Other names: short protein forms S73*.
Identifiers: ClinVar variation 2860750 (VCV002860750.4), dbSNP rs903413018, ClinGen allele CA346329684.

ClinVar aggregate classification (germline): Pathogenic/Likely pathogenic. Review status: criteria provided, multiple submitters, no conflicts (2 of 4 stars). 2 submissions from 2 submitters: Pathogenic (1); Likely pathogenic (1). Last evaluated 2024-03-28.

Conditions:
Congenital glaucoma. Identifiers: MedGen C0020302, MONDO:0020366.
Anterior segment dysgenesis 6 (ASGD6). Also called: Anterior segment dysgenesis 6, multiple subtypes. Identifiers: MedGen C4310623, MONDO:0015016, OMIM 617315.

Submissions (2):

Baylor Genetics
Classification: Likely pathogenic for Anterior segment dysgenesis 6. Last evaluated: 2024-03-28. Review status: criteria provided, single submitter. Criteria: ACMG Guidelines, 2015. Collection method: clinical testing. Allele origin: unknown.

Labcorp Genetics (formerly Invitae), Labcorp
Classification: Pathogenic for Congenital glaucoma. Last evaluated: 2023-04-30. Review status: criteria provided, single submitter. Criteria: Invitae Variant Classification Sherloc (09022015). Collection method: clinical testing. Allele origin: germline.
Comment: This sequence change creates a premature translational stop signal (p.Ser73*) in the CYP1B1 gene. It is expected to result in an absent or disrupted protein product. Loss-of-function variants in CYP1B1 are known to be pathogenic (PMID: 9097971, 9497261, 19234632). This variant is not present in population databases (gnomAD no frequency). This variant has not been reported in the literature in individuals affected with CYP1B1-related conditions. For these reasons, this variant has been classified as Pathogenic.

Literature cited by the submitters: PubMed 9097971 (cited by Labcorp Genetics (formerly Invitae), Labcorp); PubMed 9497261 (cited by Labcorp Genetics (formerly Invitae), Labcorp); PubMed 19234632 (cited by Labcorp Genetics (formerly Invitae), Labcorp).